The following is an entry in ClinVar:

NM_176787.5(PIGN):c.26T>G (p.Leu9Trp)

Gene: PIGN (phosphatidylinositol glycan anchor biosynthesis class N; minus strand). Cytogenetic location: 18q21.33.
Variant type: single nucleotide variant.
Coding change: c.26T>G on transcript NM_176787.5 (MANE Select); coding-DNA position 26, T replaced by G.
Protein change: p.Leu9Trp; replaces leucine 9 with tryptophan.
Molecular consequence: missense variant.
Genome position (GRCh38, 1-based): chr18:62,161,328, A>C on the plus strand (T>G on the coding strand, the complement: PIGN is on the minus strand). VCF-style: chr18-62161328-A-C. GRCh37 (hg19) VCF-style: chr18-59828561-A-C.
Other names: c.26T>G, p.Leu9Trp (NM_012327.6); short protein forms L9W.
Identifiers: ClinVar variation 853283 (VCV000853283.5), dbSNP rs973223435, ClinGen allele CA301697905.

ClinVar aggregate classification (germline): Uncertain significance (1 of 4 stars; one submission).

Conditions:
Multiple congenital anomalies-hypotonia-seizures syndrome 1 (MCAHS1). Also called: PIGN-CDG; Congenital disorder of glycosylation due to PIGN deficiency; GLYCOSYLPHOSPHATIDYLINOSITOL BIOSYNTHESIS DEFECT 3. Identifiers: Orphanet 280633, MedGen C3279775, MONDO:0013563, OMIM 614080.

Allele frequency attached by ClinVar (database versions not stated): TOPMed 0.00005.
gnomAD v4.1: 14 of 1,612,808 alleles (0.00087%); highest among the groups gnomAD compares: African/African-American, 0.0013%; no homozygotes.

Submission:

Labcorp Genetics (formerly Invitae), Labcorp
Classification: Uncertain significance for Multiple congenital anomalies-hypotonia-seizures syndrome 1. Last evaluated: 2022-08-16. Review status: criteria provided, single submitter. Criteria: Invitae Variant Classification Sherloc (09022015). Collection method: clinical testing. Allele origin: germline.
Comment: This sequence change replaces leucine, which is neutral and non-polar, with tryptophan, which is neutral and slightly polar, at codon 9 of the PIGN protein (p.Leu9Trp). This variant is present in population databases (no rsID available, gnomAD 0.007%). This variant has not been reported in the literature in individuals affected with PIGN-related conditions. ClinVar contains an entry for this variant (Variation ID: 853283).